The following is an entry in ClinVar:

ClinVar aggregate classification (germline): Uncertain significance. Review status: criteria provided, multiple submitters, no conflicts (2 of 4 stars). 3 submissions from 3 submitters: Uncertain significance (2). 1 of the submissions does not count toward it. Last evaluated 2024-08-27.

Conditions:
Multiple acyl-CoA dehydrogenase deficiency (MADD). Also called: Glutaric aciduria, type 2; Glutaric Acidemia type 2; ETHYLMALONIC-ADIPICACIDURIA; GA II; Glutaric acidemia type II; GA 2. Identifiers: Orphanet 26791, MedGen C0268596, MONDO:0009282, OMIM 231680.
Inborn genetic diseases. Identifiers: MedGen C0950123, MeSH D030342.
Glutaric acidemia type 2C.

Allele frequency attached by ClinVar (database versions not stated): gnomAD 0.00001 and 0.00002; gnomAD exomes 0.00001; TOPMed 0.00002; 1000 Genomes Project 30x 0.00016; 1000 Genomes Project 0.00020.
gnomAD v4.1: 11 of 1,607,752 alleles (0.00068%); highest among the groups gnomAD compares: Admixed American, 0.0017%; no homozygotes.

Submissions (3):

Ambry Genetics
Classification: Uncertain significance for Inborn genetic diseases. Last evaluated: 2024-08-27. Review status: criteria provided, single submitter. Criteria: Ambry Variant Classification Scheme 2023. Collection method: clinical testing. Allele origin: germline.

Labcorp Genetics (formerly Invitae), Labcorp
Classification: Uncertain significance for Multiple acyl-CoA dehydrogenase deficiency. Last evaluated: 2021-08-24. Review status: criteria provided, single submitter. Criteria: Invitae Variant Classification Sherloc (09022015). Collection method: clinical testing. Allele origin: germline.
Comment: This sequence change replaces threonine with serine at codon 419 of the ETFDH protein (p.Thr419Ser). The threonine residue is moderately conserved and there is a small physicochemical difference between threonine and serine. This variant is not present in population databases (ExAC no frequency). This variant has not been reported in the literature in individuals affected with ETFDH-related conditions. Algorithms developed to predict the effect of missense changes on protein structure and function output the following: SIFT: "Tolerated"; PolyPhen-2: "Benign"; Align-GVGD: "Class C0". The serine amino acid residue is found in multiple mammalian species, which suggests that this missense change does not adversely affect protein function. In summary, the available evidence is currently insufficient to determine the role of this variant in disease. Therefore, it has been classified as a Variant of Uncertain Significance.

Natera, Inc.
Classification: Uncertain significance for Glutaric acidemia type 2C. Last evaluated: 2021-03-04. Review status: no assertion criteria provided. Collection method: clinical testing. Allele origin: germline. Not counted in ClinVar's aggregate classification.

NM_004453.4(ETFDH):c.1255A>T (p.Thr419Ser)

Gene: ETFDH (electron transfer flavoprotein dehydrogenase; plus strand). Cytogenetic location: 4q32.1.
Variant type: single nucleotide variant.
Coding change: c.1255A>T on transcript NM_004453.4 (MANE Select); coding-DNA position 1255, A replaced by T.
Protein change: p.Thr419Ser; replaces threonine 419 with serine.
Molecular consequence: missense variant.
Genome position (GRCh38, 1-based): chr4:158,703,561, A>T. VCF-style: chr4-158703561-A-T. GRCh37 (hg19) VCF-style: chr4-159624713-A-T.
Other names: c.1114A>T, p.Thr372Ser (NM_001281737.2); c.1072A>T, p.Thr358Ser (NM_001281738.1); c.1255A>T (NM_004453.2); short protein forms T358S, T372S, T419S.
Identifiers: ClinVar variation 1055140 (VCV001055140.9), dbSNP rs574791445, ClinGen allele CA108817282.